The following is an entry in ClinVar:

NM_016507.4(CDK12):c.2002G>A (p.Asp668Asn)

Gene: CDK12 (cyclin dependent kinase 12; plus strand). Cytogenetic location: 17q12.
Variant type: single nucleotide variant.
Coding change: c.2002G>A on transcript NM_016507.4 (MANE Select); coding-DNA position 2002, G replaced by A.
Protein change: p.Asp668Asn; replaces aspartic acid 668 with asparagine.
Molecular consequence: missense variant.
Genome position (GRCh38, 1-based): chr17:39,490,627, G>A. VCF-style: chr17-39490627-G-A. GRCh37 (hg19) VCF-style: chr17-37646880-G-A.
Other names: c.2002G>A, p.Asp668Asn (NM_015083.4); short protein forms D668N.
Identifiers: ClinVar variation 5034175 (VCV005034175.1).

ClinVar aggregate classification (germline): Uncertain significance (1 of 4 stars; one submission).

Submission:

Ambry Genetics
Classification: Uncertain significance. Last evaluated: 2026-08-28. Review status: criteria provided, single submitter. Criteria: Ambry Variant Classification Scheme 2023. Collection method: clinical testing. Allele origin: germline.
Comment: The p.D668N variant (also known as c.2002G>A), located in coding exon 3 of the CDK12 gene, results from a G to A substitution at nucleotide position 2002. The aspartic acid at codon 668 is replaced by asparagine, an amino acid with highly similar properties. This amino acid position is conserved. In addition, this alteration is predicted to be tolerated by in silico analysis. Based on the available evidence, the clinical significance of this variant remains unclear.